The following is an entry in ClinVar:

NM_002878.4(RAD51D):c.332G>A (p.Ser111Asn)

Genes: RAD51L3-RFFL (RAD51L3-RFFL readthrough; minus strand), RAD51D (RAD51 paralog D; minus strand). Cytogenetic location: 17q12.
Variant type: single nucleotide variant.
Coding change: c.332G>A on transcript NM_002878.4 (MANE Select); coding-DNA position 332, G replaced by A.
Protein change: p.Ser111Asn; replaces serine 111 with asparagine.
Molecular consequence: missense variant. On other transcripts: non-coding transcript variant (2), intron variant (1).
Genome position (GRCh38, 1-based): chr17:35,107,379, C>T on the plus strand (G>A on the coding strand, the complement: RAD51D is on the minus strand). VCF-style: chr17-35107379-C-T. GRCh37 (hg19) VCF-style: chr17-33434398-C-T.
Other names: c.392G>A, p.Ser131Asn (NM_001142571.2); c.145-898G>A (NM_133629.3); short protein forms S111N, S131N.
Identifiers: ClinVar variation 187017 (VCV000187017.19), dbSNP rs786203407, ClinGen allele CA196510.

ClinVar aggregate classification (germline): Uncertain significance. Review status: criteria provided, multiple submitters, no conflicts (2 of 4 stars). 4 submissions from 4 submitters: Uncertain significance (4). Last evaluated 2026-02-03.

Conditions:
Hereditary cancer-predisposing syndrome. Also called: Neoplastic Syndromes, Hereditary; Tumor predisposition; Hereditary Cancer Syndrome; Hereditary neoplastic syndrome. Identifiers: Orphanet 140162, MedGen C0027672, MeSH D009386, MONDO:0015356.
Breast-ovarian cancer, familial, susceptibility to, 4. Identifiers: Orphanet 145, MedGen C3280345, MONDO:0013669, OMIM 614291.

Allele frequency attached by ClinVar (database versions not stated): gnomAD exomes below 0.00001.
gnomAD v4.1: 1 of 1,558,804 alleles (0.000064%); highest among the groups gnomAD compares: Non-Finnish European, 0.000089%; no homozygotes.

Submissions (4):

Labcorp Genetics (formerly Invitae), Labcorp
Classification: Uncertain significance for Breast-ovarian cancer, familial, susceptibility to, 4. Last evaluated: 2026-02-03. Review status: criteria provided, single submitter. Criteria: Invitae Variant Classification Sherloc (09022015). Collection method: clinical testing. Allele origin: germline.
Comment: This sequence change replaces serine, which is neutral and polar, with asparagine, which is neutral and polar, at codon 111 of the RAD51D protein (p.Ser111Asn). RNA analysis indicates that this missense change induces altered splicing and may result in an absent or altered protein product. This variant is not present in population databases (gnomAD no frequency). This variant has not been reported in the literature in individuals affected with RAD51D-related conditions. ClinVar contains an entry for this variant (Variation ID: 187017). Invitae Evidence Modeling of protein sequence and biophysical properties (such as structural, functional, and spatial information, amino acid conservation, physicochemical variation, residue mobility, and thermodynamic stability) indicates that this missense variant is expected to disrupt RAD51D protein function with a positive predictive value of 80%. Studies have shown that this missense change results in activation of a cryptic splice site, and produces a non-functional protein and/or introduces a premature termination codon (internal data). In summary, the available evidence is currently insufficient to determine the role of this variant in disease. Therefore, it has been classified as a Variant of Uncertain Significance.

Color Diagnostics, LLC DBA Color Health
Classification: Uncertain significance for Hereditary cancer-predisposing syndrome. Last evaluated: 2024-12-11. Review status: criteria provided, single submitter. Criteria: ACMG Guidelines, 2015. Collection method: clinical testing. Allele origin: germline.
Comment: This missense variant replaces serine with asparagine at codon 111 of the RAD51D protein. Computational prediction is inconclusive regarding the impact of this variant on protein structure and function (internally defined REVEL score threshold 0.5 < inconclusive < 0.7, PMID: 27666373). To our knowledge, functional studies have not been reported for this variant. This variant has not been reported in individuals affected with RAD51D-related disorders in the literature. This variant has not been identified in the general population by the Genome Aggregation Database (gnomAD). The available evidence is insufficient to determine the role of this variant in disease conclusively. Therefore, this variant is classified as a Variant of Uncertain Significance.

Ambry Genetics
Classification: Uncertain significance for Hereditary cancer-predisposing syndrome. Last evaluated: 2024-04-23. Review status: criteria provided, single submitter. Criteria: Ambry Variant Classification Scheme 2023. Collection method: clinical testing. Allele origin: germline.
Comment: The p.S111N variant (also known as c.332G>A), located in coding exon 4 of the RAD51D gene, results from a G to A substitution at nucleotide position 332. The serine at codon 111 is replaced by asparagine, an amino acid with highly similar properties. This amino acid position is highly conserved in available vertebrate species. In addition, the in silico prediction for this alteration is inconclusive. Based on the available evidence, the clinical significance of this variant remains unclear.

Sema4
Classification: Uncertain significance for Hereditary cancer-predisposing syndrome. Last evaluated: 2021-11-26. Review status: criteria provided, single submitter. Criteria: Sema4 Curation Guidelines. Collection method: curation. Allele origin: germline.
Comment: The RAD51D c.332G>A (p.S111N) variant has not been reported in literature to our knowledge. This variant is not reported in the large and broad cohorts of the Genome Aggregation Database (PMID: 32461654). This variant has been reported in ClinVar (Variation ID 187017). Functional studies have not been performed, and in silico predictions of the variant's effect on protein function are inconclusive. The overall evidence is insufficient to meet ACMG/AMP criteria for classifying it as benign or pathogenic. In summary, the clinical significance of this variant is currently uncertain.